The following is an entry in ClinVar:

ClinVar aggregate classification (germline): Uncertain significance (1 of 4 stars; one submission).

gnomAD v4.1: 1 of 1,546,914 alleles (0.000065%); no homozygotes.

Submission:

Labcorp Genetics (formerly Invitae), Labcorp
Classification: Uncertain significance. Last evaluated: 2022-09-06. Review status: criteria provided, single submitter. Criteria: Invitae Variant Classification Sherloc (09022015). Collection method: clinical testing. Allele origin: germline.
Comment: In summary, the available evidence is currently insufficient to determine the role of this variant in disease. Therefore, it has been classified as a Variant of Uncertain Significance. Algorithms developed to predict the effect of missense changes on protein structure and function are either unavailable or do not agree on the potential impact of this missense change (SIFT: "Tolerated"; PolyPhen-2: "Not Available"; Align-GVGD: "Class C0"). ClinVar contains an entry for this variant (Variation ID: 1489546). This variant has not been reported in the literature in individuals affected with ERCC6L2-related conditions. This variant is not present in population databases (gnomAD no frequency). This sequence change replaces lysine, which is basic and polar, with glutamic acid, which is acidic and polar, at codon 683 of the ERCC6L2 protein (p.Lys683Glu).

NM_020207.7(ERCC6L2):c.2014A>G (p.Lys672Glu)

Gene: ERCC6L2 (ERCC excision repair 6 like 2; plus strand). Cytogenetic location: 9q22.32.
Variant type: single nucleotide variant.
Coding change: c.2014A>G on transcript NM_020207.7 (MANE Select); coding-DNA position 2014, A replaced by G.
Protein change: p.Lys672Glu; replaces lysine 672 with glutamic acid.
Molecular consequence: missense variant. On other transcripts: non-coding transcript variant (1).
Genome position (GRCh38, 1-based): chr9:95,966,628, A>G. VCF-style: chr9-95966628-A-G. GRCh37 (hg19) VCF-style: chr9-98728910-A-G.
Other names: c.2014A>G, p.Lys672Glu (NM_001010895.4, NM_001375291.1, NM_001375292.1 and 2 more transcripts); short protein forms K672E.
Identifiers: ClinVar variation 1489546 (VCV001489546.8), dbSNP rs2133053344, ClinGen allele CA374122041.
Genomic context (GRCh38, chr9:95,966,628, plus strand): 5'-CACTGTGTGGTGGTTGGAAGTGAAAATGCCAAACGATATTTTGAAGCAGTTCAAGGATCT[A>G]AAGAGCATCAAGGAGAGCTTTTTGGGATCCATAACCTCTTCAAATTTAGGTCCCAAGGGT-3'
Protein context (NP_064592.3, residues 662-682): KRYFEAVQGS[Lys672Glu]EHQGELFGIH